The following is an entry in ClinVar:

ClinVar aggregate classification (germline): Conflicting classifications of pathogenicity. Review status: criteria provided, conflicting classifications (1 of 4 stars). 3 submissions from 3 submitters: Likely pathogenic (2); Uncertain significance (1). Last evaluated 2026-05-05.

Conditions:
Myoclonic epilepsy of Lafora 1 (MELF1). Also called: LAFORA DISEASE 1; Epilepsy, progressive myoclonic 2A (Lafora); EPM2A-Related Lafora Disease; EPILEPSY, PROGRESSIVE MYOCLONIC, 2A. Identifiers: MedGen CN377204, MONDO:0958199, OMIM 254780.
Progressive myoclonic epilepsy. Also called: Progressive myoclonus epilepsy; Myoclonic Epilepsies, Progressive; Myoclonus epilepsy; Familial progressive myoclonic epilepsy. Identifiers: Orphanet 308, Orphanet 98261, MedGen C0751778, MONDO:0020074.
Lafora disease. Also called: Epilepsy progressive myoclonic 2; Progressive Myoclonus Epilepsy, Lafora Type. Identifiers: Orphanet 501, MedGen C0751783, MONDO:0009697.

gnomAD v4.1: 1 of 1,252,490 alleles (0.00008%); no homozygotes.

Submissions (3):

Institute of Medical Genetics and Applied Genomics, University Hospital Tübingen
Classification: Likely pathogenic for Myoclonic epilepsy of Lafora 1. Last evaluated: 2026-05-05. Review status: criteria provided, single submitter. Criteria: ACMG Guidelines, 2015. Collection method: clinical testing. Allele origin: germline. Inheritance: Autosomal recessive inheritance. Affected: yes.
Comment: ACMG criteria applied: PM2_moderate, PP5_moderate, PP4_moderate

Broad Center for Mendelian Genomics, Broad Institute of MIT and Harvard
Classification: Uncertain significance for Lafora disease. Last evaluated: 2025-01-08. Review status: criteria provided, single submitter. Criteria: ACMG Guidelines, 2015. Collection method: curation. Allele origin: germline. Inheritance: Autosomal recessive inheritance.
Comment: The p.Leu29Val variant in EPM2A has not been previously reported in the literature in individuals with Lafora disease, but has been identified in 0.002% (1/42614) of remaining chromosomes by the Genome Aggregation Database (gnomAD; dbSNP rs2128649886). Although this variant has been seen in the general population in a heterozygous state, its frequency is low enough to be consistent with a recessive carrier frequency. One individual with Lafora disease is a compound heterozygote that carries a reported pathogenic variant in trans, which increases the likelihood that the p.Leu29Val variant is pathogenic (Clinical labs). This variant has also been reported in ClinVar (Variation ID: 1068104) and has been interpreted as likely pathogenic by Invitae. Computational prediction tools and conservation analyses do not provide strong support for or against an impact to the protein. The phenotype of an individual heterozygous for this variant is highly specific for Lafora disease based on lafora bodies present in biopsy consistent with disease (Clinical labs). In summary, the clinical significance of the p.Leu29Val variant is uncertain. ACMG/AMP Criteria applied: PM2_supporting, PM3, PP4 (Richards 2015).

Labcorp Genetics (formerly Invitae), Labcorp
Classification: Likely pathogenic for Progressive myoclonic epilepsy. Last evaluated: 2020-10-20. Review status: criteria provided, single submitter. Criteria: Invitae Variant Classification Sherloc (09022015). Collection method: clinical testing. Allele origin: germline.
Comment: The frequency data for this variant in the population databases is considered unreliable, as metrics indicate insufficient coverage at this position in the ExAC database. This sequence change replaces leucine with valine at codon 29 of the EPM2A protein (p.Leu29Val). The leucine residue is moderately conserved and there is a small physicochemical difference between leucine and valine. Algorithms developed to predict the effect of sequence changes on RNA splicing suggest that this variant may create or strengthen a splice site, but this prediction has not been confirmed by published transcriptional studies. Algorithms developed to predict the effect of missense changes on protein structure and function are either unavailable or do not agree on the potential impact of this missense change (SIFT: "Deleterious"; PolyPhen-2: "Possibly Damaging"; Align-GVGD: "Class C0"). This variant has been observed in individual(s) with progressive myoclonic epilepsy (Invitae). In at least one individual the data is consistent with the variant being in trans (on the opposite chromosome) from a pathogenic variant. In summary, the currently available evidence indicates that the variant is pathogenic, but additional data are needed to prove that conclusively. Therefore, this variant has been classified as Likely Pathogenic.

NM_005670.4(EPM2A):c.85C>G (p.Leu29Val)

Genes: EPM2A (EPM2A glucan phosphatase, laforin; minus strand), EPM2A-DT (EPM2A divergent transcript; plus strand), LOC129997381 (ATAC-STARR-seq lymphoblastoid silent region 17642; plus strand). Cytogenetic location: 6q24.3.
Variant type: single nucleotide variant.
Coding change: c.85C>G on transcript NM_005670.4 (MANE Select); coding-DNA position 85, C replaced by G.
Protein change: p.Leu29Val; replaces leucine 29 with valine.
Molecular consequence: missense variant. On other transcripts: 5 prime UTR variant (3), intron variant (1).
Genome position (GRCh38, 1-based): chr6:145,735,414, G>C on the plus strand (C>G on the coding strand, the complement: EPM2A is on the minus strand). VCF-style: chr6-145735414-G-C. GRCh37 (hg19) VCF-style: chr6-146056550-G-C.
Other names: NM_005670.4(EPM2A):c.85C>G; p.Leu29Val; c.85C>G, p.Leu29Val (NM_001018041.2, NM_001360057.2, NM_001368130.1); c.-585C>G (NM_001360071.2); c.-539C>G (NM_001368129.2); c.-283C>G (NM_001368131.1); c.-114+494C>G (NM_001360064.2); short protein forms L29V.
Identifiers: ClinVar variation 1068104 (VCV001068104.10), dbSNP rs2128649886, ClinGen allele CA366188452.